The following is an entry in ClinVar:

ClinVar aggregate classification (germline): Conflicting classifications of pathogenicity. Review status: criteria provided, conflicting classifications (1 of 4 stars). 2 submissions from 2 submitters: Uncertain significance (1); Likely benign (1). Last evaluated 2023-12-05.

Conditions:
Hereditary cancer-predisposing syndrome. Also called: Neoplastic Syndromes, Hereditary; Tumor predisposition; Hereditary Cancer Syndrome; Hereditary neoplastic syndrome. Identifiers: Orphanet 140162, MedGen C0027672, MeSH D009386, MONDO:0015356.

Submissions (2):

Color Diagnostics, LLC DBA Color Health
Classification: Uncertain significance for Hereditary cancer-predisposing syndrome. Last evaluated: 2023-12-05. Review status: criteria provided, single submitter. Criteria: ACMG Guidelines, 2015. Collection method: clinical testing. Allele origin: germline.
Comment: This missense variant replaces valine with isoleucine at codon 2171 of the BRCA2 protein. To our knowledge, functional studies have not been reported for this variant. This variant has not been reported in individuals affected with BRCA2-related disorders in the literature. This variant has not been identified in the general population by the Genome Aggregation Database (gnomAD). The available evidence is insufficient to determine the role of this variant in disease conclusively. Therefore, this variant is classified as a Variant of Uncertain Significance.

University of Washington Department of Laboratory Medicine, University of Washington
Classification: Likely benign for Hereditary cancer-predisposing syndrome. Last evaluated: 2023-03-23. Review status: criteria provided, single submitter. Criteria: Dines et al. (Genet Med. 2020). Collection method: curation. Allele origin: germline.
Comment: Missense variant in a coldspot region where missense variants are very unlikely to be pathogenic (PMID:31911673).

BRCA2 exon 11 coldspot. Reclassification based on statistical prior probability.

NM_000059.4(BRCA2):c.6511_6513delinsATC (p.Val2171Ile)

Gene: BRCA2 (BRCA2 DNA repair associated; plus strand). Cytogenetic location: 13q13.1.
Variant type: Indel.
Coding change: c.6511_6513delinsATC on transcript NM_000059.4 (MANE Select); coding-DNA positions 6511 to 6513, GTG replaced by ATC.
Protein change: p.Val2171Ile; replaces valine 2171 with isoleucine.
Molecular consequence: missense variant.
Genome position (GRCh38, 1-based): chr13:32,340,866-32,340,868, GTG replaced by ATC. VCF-style: chr13-32340866-GTG-ATC. GRCh37 (hg19) VCF-style: chr13-32915003-GTG-ATC.
Other names: short protein forms V2171I.
Identifiers: ClinVar variation 918939 (VCV000918939.6), dbSNP rs2072557951, ClinGen allele CA913188570.